The following is an entry in ClinVar:

ClinVar aggregate classification (germline): Uncertain significance (1 of 4 stars; one submission).

Allele frequency attached by ClinVar (database versions not stated): gnomAD exomes 0.00001.
gnomAD v4.1: 14 of 1,614,038 alleles (0.00087%); highest among the groups gnomAD compares: Admixed American, 0.0017%; no homozygotes.

Submission:

Labcorp Genetics (formerly Invitae), Labcorp
Classification: Uncertain significance. Last evaluated: 2023-10-24. Review status: criteria provided, single submitter. Criteria: Invitae Variant Classification Sherloc (09022015). Collection method: clinical testing. Allele origin: germline.
Comment: This sequence change replaces isoleucine, which is neutral and non-polar, with valine, which is neutral and non-polar, at codon 229 of the CDC6 protein (p.Ile229Val). This variant is present in population databases (no rsID available, gnomAD 0.003%). This variant has not been reported in the literature in individuals affected with CDC6-related conditions. Algorithms developed to predict the effect of missense changes on protein structure and function output the following: SIFT: "Not Available"; PolyPhen-2: "Benign"; Align-GVGD: "Not Available". The valine amino acid residue is found in multiple mammalian species, which suggests that this missense change does not adversely affect protein function. In summary, the available evidence is currently insufficient to determine the role of this variant in disease. Therefore, it has been classified as a Variant of Uncertain Significance.

NM_001254.4(CDC6):c.685A>G (p.Ile229Val)

Gene: CDC6 (cell division cycle 6; plus strand). Cytogenetic location: 17q21.2.
Variant type: single nucleotide variant.
Coding change: c.685A>G on transcript NM_001254.4 (MANE Select); coding-DNA position 685, A replaced by G.
Protein change: p.Ile229Val; replaces isoleucine 229 with valine.
Molecular consequence: missense variant.
Genome position (GRCh38, 1-based): chr17:40,293,480, A>G. VCF-style: chr17-40293480-A-G. GRCh37 (hg19) VCF-style: chr17-38449732-A-G.
Other names: short protein forms I229V.
Identifiers: ClinVar variation 2893264 (VCV002893264.3), dbSNP rs1195984644, ClinGen allele CA399329429.
Genomic context (GRCh38, chr17:40,293,480, plus strand): 5'-CCAAAATAACTCCCATATTTGCATTTTTTTTTCCAGAAGGAACTGAAAGGCTTTAAAACT[A>G]TCATGCTGAATTGCATGTCCTTGAGGACTGCCCAGGCTGTATTCCCAGCTATTGCTCAGG-3'
Protein context (NP_001245.1, residues 219-239): LKKELKGFKT[Ile229Val]MLNCMSLRTA